The following is an entry in ClinVar:

NM_006996.3(SLC19A2):c.620_624dup (p.Pro209fs)

Gene: SLC19A2 (solute carrier family 19 member 2; minus strand). Cytogenetic location: 1q24.2.
Variant type: Duplication.
Coding change: c.620_624dup on transcript NM_006996.3 (MANE Select); coding-DNA positions 620 to 624, 5 bases duplicated (TTTTA; older notation c.620_624dupTTTTA).
Protein change: p.Pro209fs; shifts the reading frame from proline 209.
Molecular consequence: frameshift variant. On other transcripts: intron variant (1).
Genome position (GRCh38, 1-based): chr1:169,477,338-169,477,342, TAAAA duplicated on the plus strand (TTTTA on the coding strand, the reverse complement: SLC19A2 is on the minus strand). VCF-style (leftmost placement, unchanged base first): chr1-169477337-G-GTAAAA. GRCh37 (hg19) VCF-style: chr1-169446575-G-GTAAAA.
Other names: c.205-7156_205-7152dup (NM_001319667.1); short protein forms P209fs.
Identifiers: ClinVar variation 1454060 (VCV001454060.6), dbSNP rs2101781113, ClinGen allele CA2573131254.

ClinVar aggregate classification (germline): Pathogenic (1 of 4 stars; one submission).

Submission:

Labcorp Genetics (formerly Invitae), Labcorp
Classification: Pathogenic. Last evaluated: 2021-04-02. Review status: criteria provided, single submitter. Criteria: Invitae Variant Classification Sherloc (09022015). Collection method: clinical testing. Allele origin: germline.
Comment: For these reasons, this variant has been classified as Pathogenic. This variant has not been reported in the literature in individuals with SLC19A2-related conditions. This variant is not present in population databases (ExAC no frequency). This sequence change creates a premature translational stop signal (p.Pro209Phefs*21) in the SLC19A2 gene. It is expected to result in an absent or disrupted protein product. Loss-of-function variants in SLC19A2 are known to be pathogenic (PMID: 10391221, 10391223, 10874303).

Literature cited by the submitters: PubMed 10391221; PubMed 10391223; PubMed 10874303.